The following is an entry in ClinVar:

ClinVar aggregate classification (germline): Uncertain significance (1 of 4 stars; one submission).

Conditions:
Inborn genetic diseases. Identifiers: MedGen C0950123, MeSH D030342.

gnomAD v4.1: 3 of 1,614,198 alleles (0.00019%); highest among the groups gnomAD compares: Non-Finnish European, 0.00017%; no homozygotes.

Submission:

Ambry Genetics
Classification: Uncertain significance for Inborn genetic diseases. Last evaluated: 2024-10-15. Review status: criteria provided, single submitter. Criteria: Ambry Variant Classification Scheme 2023. Collection method: clinical testing. Allele origin: germline.
Comment: The p.L156P variant (also known as c.467T>C), located in coding exon 4 of the FANCG gene, results from a T to C substitution at nucleotide position 467. The leucine at codon 156 is replaced by proline, an amino acid with similar properties. This amino acid position is conserved. In addition, the in silico prediction for this alteration is inconclusive. Based on the available evidence, the clinical significance of this variant remains unclear.

NM_004629.2(FANCG):c.467T>C (p.Leu156Pro)

Gene: FANCG (FA complementation group G; minus strand). Cytogenetic location: 9p13.3.
Variant type: single nucleotide variant.
Coding change: c.467T>C on transcript NM_004629.2 (MANE Select); coding-DNA position 467, T replaced by C.
Protein change: p.Leu156Pro; replaces leucine 156 with proline.
Molecular consequence: missense variant.
Genome position (GRCh38, 1-based): chr9:35,078,184, A>G on the plus strand (T>C on the coding strand, the complement: FANCG is on the minus strand). VCF-style: chr9-35078184-A-G. GRCh37 (hg19) VCF-style: chr9-35078181-A-G.
Other names: short protein forms L156P.
Identifiers: ClinVar variation 3512829 (VCV003512829.1).